The following is an entry in ClinVar:

NM_005504.7(BCAT1):c.1042G>A (p.Glu348Lys)

Genes: BCAT1 (branched chain amino acid transaminase 1; minus strand), BCAT1-AS1 (BCAT1 antisense RNA 1; plus strand). Cytogenetic location: 12p12.1.
Variant type: single nucleotide variant.
Coding change: c.1042G>A on transcript NM_005504.7 (MANE Select); coding-DNA position 1042, G replaced by A.
Protein change: p.Glu348Lys; replaces glutamic acid 348 with lysine.
Molecular consequence: missense variant. On other transcripts: non-coding transcript variant (5), intron variant (3).
Genome position (GRCh38, 1-based): chr12:24,832,725, C>T on the plus strand (G>A on the coding strand, the complement: BCAT1 is on the minus strand). VCF-style: chr12-24832725-C-T. GRCh37 (hg19) VCF-style: chr12-24985659-C-T.
Other names: c.931G>A, p.Glu311Lys (NM_001178091.2); c.859G>A, p.Glu287Lys (NM_001178092.2); c.1078G>A, p.Glu360Lys (NM_001178093.2, NM_001413086.1); c.1039G>A, p.Glu347Lys (NM_001178094.2); c.1114G>A, p.Glu372Lys (NM_001413087.1); c.1105G>A, p.Glu369Lys (NM_001413088.1); c.1087G>A, p.Glu363Lys (NM_001413089.1); c.1075G>A, p.Glu359Lys (NM_001413090.1); and 14 more; short protein forms E270K, E271K, E283K, E287K, E292K, E301K, E307K, E311K.
Identifiers: ClinVar variation 3033269 (VCV003033269.2), dbSNP rs144632372, ClinGen allele CA6484766.
Genomic context (GRCh38, chr12:24,832,725, plus strand): 5'-ATTAAATGTAATTTAATGTGATTGGAAATGATAGGAAATGAGGAAATACTTGTCGTACCT[C>T]GCCTTTGTACAGTATATCAGAAACTGGGCAAACAACACAGGCTGTACCAGAGCCAAACAT-3'
Protein context (NP_005495.2, residues 338-358): CPVSDILYKG[Glu348Lys]TIHIPTMENG

ClinVar aggregate classification (germline): Likely benign (0 of 4 stars; one submission).

Conditions:
BCAT1-related disorder. Also called: BCAT1-related condition.

Allele frequency attached by ClinVar (database versions not stated): gnomAD 0.00393; ESP Exome Variant Server 0.00479; ExAC 0.00517; 1000 Genomes Project 30x 0.00219; 1000 Genomes Project 0.00240; TOPMed 0.00357.
gnomAD v4.1: 8,245 of 1,603,164 alleles (0.51%); highest among the groups gnomAD compares: Non-Finnish European, 0.61%; 24 homozygotes.

Submission:

PreventionGenetics, part of Exact Sciences
Classification: Likely benign for BCAT1-related condition. Last evaluated: 2020-03-03. Review status: no assertion criteria provided. Collection method: clinical testing. Allele origin: germline.
Comment: This variant is classified as likely benign based on ACMG/AMP sequence variant interpretation guidelines (Richards et al. 2015 PMID: 25741868, with internal and published modifications).